The following is an entry in ClinVar:

ClinVar aggregate classification (germline): Benign/Likely benign (0 of 4 stars; one submission).

Submission:

ISCA Site 6
Classification: Benign/Likely benign. Review status: no assertion criteria provided. Collection method: clinical testing. Allele origin: unknown. Affected: yes. Observed: 5 variant alleles. Clinical features observed: Developmental delay AND/OR other significant developmental or morphological phenotypes.
Comment: Likely benign (1), Benign (4)

Copy number variation identified through the course of routine clinical cytogenomic testing in postnatal populations, with clinical assertions as classified by the original submitter. For data from the original published study, Kaminsky, et al. 2011 (PubMed 21844811), please see nstd101.

GRCh37/hg19 10q26.2(chr10:128636069-128656069)x3

Variant type: copy number gain.
Change: copy number 3 (three copies instead of two) of chr10:128,636,069-128,656,069 (20.0 kb, GRCh37 coordinates, 1-based), cytogenetic band 10q26.2.
Identifiers: ClinVar variation 395292 (VCV000395292.3).